The following is an entry in ClinVar:

NM_000722.4(CACNA2D1):c.1526A>G (p.Asn509Ser)

Gene: CACNA2D1 (calcium voltage-gated channel auxiliary subunit alpha2delta 1; minus strand). Cytogenetic location: 7q21.11.
Variant type: single nucleotide variant.
Coding change: c.1526A>G on transcript NM_000722.4 (MANE Select); coding-DNA position 1526, A replaced by G.
Protein change: p.Asn509Ser; replaces asparagine 509 with serine.
Molecular consequence: missense variant.
Genome position (GRCh38, 1-based): chr7:82,005,487, T>C on the plus strand (A>G on the coding strand, the complement: CACNA2D1 is on the minus strand). VCF-style: chr7-82005487-T-C. GRCh37 (hg19) VCF-style: chr7-81634803-T-C.
Other names: c.1526A>G, p.Asn509Ser (NM_001366867.1); short protein forms N509S.
Identifiers: ClinVar variation 1046642 (VCV001046642.12), dbSNP rs1386287681, ClinGen allele CA367877311.

ClinVar aggregate classification (germline): Uncertain significance. Review status: criteria provided, multiple submitters, no conflicts (2 of 4 stars). 2 submissions from 2 submitters: Uncertain significance (2). Last evaluated 2025-02-20.

Conditions:
Cardiovascular phenotype. Identifiers: MedGen CN230736.
Brugada syndrome. Also called: Sudden unexpected nocturnal death syndrome; Sudden unexplained nocturnal death syndrome; Sudden Unexplained Death Syndrome; Sudden Unexplained Nocturnal Death Syndrome (SUNDS). Identifiers: Orphanet 130, MedGen C1142166, MONDO:0015263.

Allele frequency attached by ClinVar (database versions not stated): gnomAD 0.00001; TOPMed 0.00001.

Submissions (2):

Ambry Genetics
Classification: Uncertain significance for Cardiovascular phenotype. Last evaluated: 2025-02-20. Review status: criteria provided, single submitter. Criteria: Ambry Variant Classification Scheme 2023. Collection method: clinical testing. Allele origin: germline.

Labcorp Genetics (formerly Invitae), Labcorp
Classification: Uncertain significance for Brugada syndrome. Last evaluated: 2024-05-22. Review status: criteria provided, single submitter. Criteria: Invitae Variant Classification Sherloc (09022015). Collection method: clinical testing. Allele origin: germline.
Comment: This sequence change replaces asparagine, which is neutral and polar, with serine, which is neutral and polar, at codon 509 of the CACNA2D1 protein (p.Asn509Ser). This variant is not present in population databases (gnomAD no frequency). This variant has not been reported in the literature in individuals affected with CACNA2D1-related conditions. ClinVar contains an entry for this variant (Variation ID: 1046642). An algorithm developed to predict the effect of missense changes on protein structure and function (PolyPhen-2) suggests that this variant is likely to be disruptive. In summary, the available evidence is currently insufficient to determine the role of this variant in disease. Therefore, it has been classified as a Variant of Uncertain Significance.